The following is an entry in ClinVar:

NM_001433705.1(NLRP5):c.1261G>A (p.Ala421Thr)

Genes: NLRP5 (NLR family pyrin domain containing 5; plus strand), LOC126862935 (BRD4-independent group 4 enhancer GRCh37_chr19:56537936-56539135; plus strand). Cytogenetic location: 19q13.43.
Variant type: single nucleotide variant.
Coding change: c.1261G>A on transcript NM_001433705.1 (MANE Select); coding-DNA position 1261, G replaced by A.
Protein change: p.Ala421Thr; replaces alanine 421 with threonine.
Molecular consequence: missense variant.
Genome position (GRCh38, 1-based): chr19:56,027,647, G>A. VCF-style: chr19-56027647-G-A. GRCh37 (hg19) VCF-style: chr19-56539013-G-A.
Other names: NM_153447.4:c.1414G>A; short protein forms A421T.
Identifiers: ClinVar variation 781885 (VCV000781885.7), dbSNP rs138053847, ClinGen allele CA9685548.
Genomic context (GRCh38, chr19:56,027,647, plus strand): 5'-ACACAAGGGTTGCGTGCGATCATGAACAACCGTGAGCTGCTCGACCAGTGCCAGGTGCCC[G>A]CCGTGGGCTCTCTCATCTGCGTGGCCCTGCAGCTGCAGGACGTGGTGGGGGAGAGCGTCG-3'
Protein context (NP_001420634.1, residues 411-431): RELLDQCQVP[Ala421Thr]VGSLICVALQ

ClinVar aggregate classification (germline): Benign. Review status: criteria provided, multiple submitters, no conflicts (2 of 4 stars). 3 submissions from 3 submitters: Benign (2). 1 of the submissions does not count toward it. Last evaluated 2019-12-31.

Conditions:
NLRP5-related disorder. Also called: NLRP5-related condition.

Allele frequency attached by ClinVar (database versions not stated): ESP Exome Variant Server 0.00362; TOPMed 0.00393; gnomAD 0.00355 and 0.00393; 1000 Genomes Project 30x 0.00656; ExAC 0.00528; gnomAD exomes 0.00472; 1000 Genomes Project 0.00659.
gnomAD v4.1: 6,920 of 1,613,354 alleles (0.43%); highest among the groups gnomAD compares: South Asian, 2.1%; 38 homozygotes.

Submissions (3):

Labcorp Genetics (formerly Invitae), Labcorp
Classification: Benign. Last evaluated: 2019-12-31. Review status: criteria provided, single submitter. Criteria: Invitae Variant Classification Sherloc (09022015). Collection method: clinical testing. Allele origin: germline.

Breakthrough Genomics
Classification: Benign. Review status: criteria provided, single submitter. Criteria: ACMG Guidelines, 2015. Collection method: not provided. Allele origin: germline. Inheritance: Unknown mechanism. Affected: yes.

PreventionGenetics, part of Exact Sciences
Classification: Likely benign for NLRP5-related condition. Last evaluated: 2020-09-25. Review status: no assertion criteria provided. Collection method: clinical testing. Allele origin: germline. Not counted in ClinVar's aggregate classification.
Comment: This variant is classified as likely benign based on ACMG/AMP sequence variant interpretation guidelines (Richards et al. 2015 PMID: 25741868, with internal and published modifications).